The following is an entry in ClinVar:

NM_023110.3(FGFR1):c.2052G>A (p.Trp684Ter)

Gene: FGFR1 (fibroblast growth factor receptor 1; minus strand). Cytogenetic location: 8p11.23.
Variant type: single nucleotide variant.
Coding change: c.2052G>A on transcript NM_023110.3 (MANE Select); coding-DNA position 2052, G replaced by A.
Protein change: p.Trp684Ter; replaces tryptophan 684 with a stop codon.
Molecular consequence: nonsense.
Genome position (GRCh38, 1-based): chr8:38,414,286, C>T on the plus strand (G>A on the coding strand, the complement: FGFR1 is on the minus strand). VCF-style: chr8-38414286-C-T. GRCh37 (hg19) VCF-style: chr8-38271804-C-T.
Other names: c.2046G>A, p.Trp682Ter (NM_001174063.2, NM_001174065.2, NM_001354367.2 and 1 more transcripts); c.2022G>A, p.Trp674Ter (NM_001174064.2); c.1785G>A, p.Trp595Ter (NM_001174066.2, NM_023105.3); c.2145G>A, p.Trp715Ter (NM_001174067.2); c.1773G>A, p.Trp591Ter (NM_001354368.2); c.2040G>A, p.Trp680Ter (NM_001354369.2); c.1779G>A, p.Trp593Ter (NM_001354370.2, NM_023106.3); short protein forms W684*, W680*, W591*, W593*, W595*, W674*, W682*, W715*.
Identifiers: ClinVar variation 546028 (VCV000546028.2), dbSNP rs1554547400, ClinGen allele CA370729173.

ClinVar aggregate classification (germline): Pathogenic (1 of 4 stars; one submission).

Submission:

GeneDx
Classification: Pathogenic. Last evaluated: 2018-12-20. Review status: criteria provided, single submitter. Criteria: GeneDx Variant Classification (06012015). Collection method: clinical testing. Allele origin: germline. Affected: yes.
Comment: The W684X variant has not been published as a pathogenic variant, nor has it been reported as a benign variant to our knowledge. The variant is not observed in large population cohorts (Lek et al., 2016). W684X is predicted to cause loss of normal protein function either through protein truncation or nonsense-mediated mRNA decay. In summary, we consider this variant to be pathogenic.